The following is an entry in ClinVar:

ClinVar aggregate classification (germline): Conflicting classifications of pathogenicity. Review status: criteria provided, conflicting classifications (1 of 4 stars). 4 submissions from 4 submitters: Uncertain significance (3); Likely benign (1). Last evaluated 2025-08-14.

Conditions:
Epilepsy, childhood absence, susceptibility to, 6. Identifiers: Orphanet 64280, MedGen C2749872, MONDO:0012763, OMIM 611942.
Hyperaldosteronism, familial, type IV (HALD4). Also called: FH IV; ALDOSTERONISM, PRIMARY, AND HYPERTENSION. Identifiers: Orphanet 642671, MedGen C4310756, MONDO:0014875, OMIM 617027.
Idiopathic generalized epilepsy. Also called: EIG; Generalised epilepsy. Identifiers: MedGen C0270850, MONDO:0005579, OMIM 600669.

Allele frequency attached by ClinVar (database versions not stated): TOPMed 0.00001; gnomAD 0.00002; ExAC 0.00003; ESP Exome Variant Server 0.00008.
gnomAD v4.1: 58 of 1,606,280 alleles (0.0036%); highest among the groups gnomAD compares: Non-Finnish European, 0.0048%; no homozygotes.

Submissions (4):

Labcorp Genetics (formerly Invitae), Labcorp
Classification: Likely benign for Idiopathic generalized epilepsy; Hyperaldosteronism, familial, type IV. Last evaluated: 2025-08-14. Review status: criteria provided, single submitter. Criteria: Invitae Variant Classification Sherloc (09022015). Collection method: clinical testing. Allele origin: germline.

Fulgent Genetics
Classification: Uncertain significance for Epilepsy, childhood absence, susceptibility to, 6; Hyperaldosteronism, familial, type IV. Last evaluated: 2024-02-20. Review status: criteria provided, single submitter. Criteria: ACMG Guidelines, 2015. Collection method: clinical testing. Allele origin: germline.

Women's Health and Genetics/Laboratory Corporation of America, LabCorp
Classification: Uncertain significance. Last evaluated: 2023-09-11. Review status: criteria provided, single submitter. Criteria: LabCorp Variant Classification Summary - May 2015. Collection method: clinical testing. Allele origin: germline.
Comment: Variant summary: CACNA1H c.2071G>A (p.Gly691Ser) results in a non-conservative amino acid change in the encoded protein sequence. Three of five in-silico tools predict a benign effect of the variant on protein function. The variant allele was found at a frequency of 2.1e-05 in 232710 control chromosomes (gnomAD). The available data on variant occurrences in the general population are insufficient to allow any conclusion about variant significance. To our knowledge, no occurrence of c.2071G>A in individuals affected with Idiopathic Generalized Epilepsy and no experimental evidence demonstrating its impact on protein function have been reported. Three submitters have cited clinical-significance assessments for this variant to ClinVar after 2014. All submitters classified the variant as uncertain significance. Based on the evidence outlined above, the variant was classified as uncertain significance.

GeneDx
Classification: Uncertain significance. Last evaluated: 2016-02-16. Review status: criteria provided, single submitter. Criteria: GeneDx Variant Classification (06012015). Collection method: clinical testing. Allele origin: germline. Affected: yes.
Comment: The G691S variant in the CACNA1H gene has not been reported previously as a pathogenic variant, nor as a benign variant, to our knowledge. This variant was not observed at any significant frequency in approximately 6100 individuals of European and African American ancestry in the NHLBI Exome Sequencing Project, indicating it is not a common benign variant in these populations. The G691S variant is a non-conservative amino acid substitution, which is likely to impact secondary protein structure as these residues differ in polarity, charge, size and/or other properties; however, this substitution occurs at a position that is not conserved, and in silico analysis predicts this variant likely does not alter the protein structure/function. We interpret G691S as a variant of uncertain significance.

NM_021098.3(CACNA1H):c.2071G>A (p.Gly691Ser)

Gene: CACNA1H (calcium voltage-gated channel subunit alpha1 H; plus strand). Cytogenetic location: 16p13.3.
Variant type: single nucleotide variant.
Coding change: c.2071G>A on transcript NM_021098.3 (MANE Select); coding-DNA position 2071, G replaced by A.
Protein change: p.Gly691Ser; replaces glycine 691 with serine.
Molecular consequence: missense variant.
Genome position (GRCh38, 1-based): chr16:1,204,078, G>A. VCF-style: chr16-1204078-G-A. GRCh37 (hg19) VCF-style: chr16-1254078-G-A.
Other names: c.2071G>A, p.Gly691Ser (NM_001005407.2); short protein forms G691S.
Identifiers: ClinVar variation 383791 (VCV000383791.12), dbSNP rs377664706, ClinGen allele CA7800102.